The following is an entry in ClinVar:

ClinVar aggregate classification (germline): Uncertain significance (1 of 4 stars; one submission).

Conditions:
Multiple congenital exostosis (EXT). Also called: Multiple osteochondromas; Multiple exostoses; Hereditary multiple osteochondromas; Hereditary multiple exostoses; Hereditary multiple exostosis; MULTIPLE CARTILAGINOUS EXOSTOSES. Identifiers: Orphanet 321, MedGen C0015306, MONDO:0005508, HP:0002762.

Submission:

Labcorp Genetics (formerly Invitae), Labcorp
Classification: Uncertain significance for Multiple congenital exostosis. Last evaluated: 2024-03-13. Review status: criteria provided, single submitter. Criteria: Invitae Variant Classification Sherloc (09022015). Collection method: clinical testing. Allele origin: germline.
Comment: This sequence change replaces proline, which is neutral and non-polar, with threonine, which is neutral and polar, at codon 390 of the EXT1 protein (p.Pro390Thr). This variant is not present in population databases (gnomAD no frequency). This variant has not been reported in the literature in individuals affected with EXT1-related conditions. Advanced modeling of protein sequence and biophysical properties (such as structural, functional, and spatial information, amino acid conservation, physicochemical variation, residue mobility, and thermodynamic stability) performed at Invitae indicates that this missense variant is not expected to disrupt EXT1 protein function with a negative predictive value of 80%. In summary, the available evidence is currently insufficient to determine the role of this variant in disease. Therefore, it has been classified as a Variant of Uncertain Significance.

NM_000127.3(EXT1):c.1168C>A (p.Pro390Thr)

Gene: EXT1 (exostosin glycosyltransferase 1; minus strand). Cytogenetic location: 8q24.11.
Variant type: single nucleotide variant.
Coding change: c.1168C>A on transcript NM_000127.3 (MANE Select); coding-DNA position 1168, C replaced by A.
Protein change: p.Pro390Thr; replaces proline 390 with threonine.
Molecular consequence: missense variant.
Genome position (GRCh38, 1-based): chr8:117,830,346, G>T on the plus strand (C>A on the coding strand, the complement: EXT1 is on the minus strand). VCF-style: chr8-117830346-G-T. GRCh37 (hg19) VCF-style: chr8-118842585-G-T.
Other names: short protein forms P390T.
Identifiers: ClinVar variation 3627436 (VCV003627436.2).
Genomic context (GRCh38, chr8:117,830,346, plus strand): 5'-ATTGTGTCTGCTGTCTAAGTGCTAGGATTTTATCCTGATGAATAGACCTGATTGTAGAAG[G>T]AATCTGTAACACAAGGTGAACACATAGGAATTATAACTGTAAAACAAAGAGATGCACTTG-3'
Protein context (NP_000118.2, residues 380-400): IGDERLLLQI[Pro390Thr]STIRSIHQDK